The following is an entry in ClinVar:

NC_000016.9:g.(?_70286624)_(72146396_?)del

Genes: AARS1 (alanyl-tRNA synthetase 1; minus strand), AP1G1 (adaptor related protein complex 1 subunit gamma 1; minus strand), ATXN1L (ataxin 1 like; plus strand), CALB2 (calbindin 2; plus strand), CHST4 (carbohydrate sulfotransferase 4; plus strand) and 24 more. Cytogenetic location: 16q22.1-22.2.
Variant type: Deletion.
Identifiers: ClinVar variation 3243655 (VCV003243655.1).

ClinVar aggregate classification (germline): Pathogenic (1 of 4 stars; one submission).

Submission:

Labcorp Genetics (formerly Invitae), Labcorp
Classification: Pathogenic. Last evaluated: 2023-01-01. Review status: criteria provided, single submitter. Criteria: Invitae Variant Classification Sherloc (09022015). Collection method: clinical testing. Allele origin: unknown.
Comment: For these reasons, this variant has been classified as Pathogenic. This variant has not been reported in the literature in individuals affected with VAC14-related conditions. A gross deletion of the genomic region encompassing the full coding sequence of the VAC14 gene has been identified. Loss-of-function variants in VAC14 are known to be pathogenic (PMID: 17956977, 28635952). The boundaries of this event are unknown as they extend beyond the assayed region for this gene and therefore may encompass additional genes.

Literature cited by the submitters: PubMed 17956977; PubMed 28635952.